The following is an entry in ClinVar:

NM_139057.4(ADAMTS17):c.1302T>C (p.Asp434=)

Gene: ADAMTS17 (ADAM metallopeptidase with thrombospondin type 1 motif 17; minus strand). Cytogenetic location: 15q26.3.
Variant type: single nucleotide variant.
Coding change: c.1302T>C on transcript NM_139057.4 (MANE Select); coding-DNA position 1302, T replaced by C.
Protein change: p.Asp434=; no amino-acid change (aspartic acid 434 retained).
Molecular consequence: synonymous variant.
Genome position (GRCh38, 1-based): chr15:100,155,200, A>G on the plus strand (T>C on the coding strand, the complement: ADAMTS17 is on the minus strand). VCF-style: chr15-100155200-A-G. GRCh37 (hg19) VCF-style: chr15-100695405-A-G.
Identifiers: ClinVar variation 315297 (VCV000315297.14), dbSNP rs559102316, ClinGen allele CA7758313.

ClinVar aggregate classification (germline): Benign/Likely benign. Review status: criteria provided, multiple submitters, no conflicts (2 of 4 stars). 4 submissions from 4 submitters: Benign (1); Likely benign (3). Last evaluated 2026-02-01.

Conditions:
Weill-Marchesani 4 syndrome, recessive. Also called: Weill-Marchesani syndrome 4. Identifiers: Orphanet 363992, MedGen C2750787, MONDO:0013176, OMIM 613195.

Allele frequency attached by ClinVar (database versions not stated): gnomAD below 0.00001 and 0.00022; TOPMed 0.00002; gnomAD exomes 0.00040 and 0.00082; 1000 Genomes Project 30x 0.00094; 1000 Genomes Project 0.00100; ExAC 0.00101.
gnomAD v4.1: 625 of 1,614,242 alleles (0.039%); highest among the groups gnomAD compares: South Asian, 0.65%; 6 homozygotes.

Submissions (4):

Labcorp Genetics (formerly Invitae), Labcorp
Classification: Benign. Last evaluated: 2026-02-01. Review status: criteria provided, single submitter. Criteria: Invitae Variant Classification Sherloc (09022015). Collection method: clinical testing. Allele origin: germline.

Blueprint Genetics
Classification: Likely benign. Last evaluated: 2024-11-19. Review status: criteria provided, single submitter. Criteria: ACMG Guidelines, 2015. Collection method: clinical testing. Allele origin: germline.

Illumina Laboratory Services, Illumina
Classification: Likely benign for Weill-Marchesani 4 syndrome, recessive. Last evaluated: 2018-01-13. Review status: criteria provided, single submitter. Criteria: ICSL Variant Classification Criteria 13 December 2019. Collection method: clinical testing. Allele origin: germline.
Comment: This variant was observed in the ICSL laboratory as part of a predisposition screen in an ostensibly healthy population. It had not been previously curated by ICSL or reported in the Human Gene Mutation Database (HGMD: prior to June 1st, 2018), and was therefore a candidate for classification through an automated scoring system. Utilizing variant allele frequency, disease prevalence and penetrance estimates, and inheritance mode, an automated score was calculated to assess if this variant is too frequent to cause the disease. Based on the score and internal cut-off values, a variant classified as likely benign is not then subjected to further curation. The score for this variant resulted in a classification of likely benign for this disease.

Breakthrough Genomics
Classification: Likely benign. Review status: criteria provided, single submitter. Criteria: ACMG Guidelines, 2015. Collection method: not provided. Allele origin: germline. Inheritance: Autosomal recessive inheritance. Affected: yes.